The following is an entry in ClinVar:

NM_002496.4(NDUFS8):c.236C>T (p.Pro79Leu)

Gene: NDUFS8 (NADH:ubiquinone oxidoreductase core subunit S8; plus strand). Cytogenetic location: 11q13.2.
Variant type: single nucleotide variant.
Coding change: c.236C>T on transcript NM_002496.4 (MANE Select); coding-DNA position 236, C replaced by T.
Protein change: p.Pro79Leu; replaces proline 79 with leucine.
Molecular consequence: missense variant.
Genome position (GRCh38, 1-based): chr11:68,033,147, C>T. VCF-style: chr11-68033147-C-T. GRCh37 (hg19) VCF-style: chr11-67800614-C-T.
Other names: short protein forms P79L.
Identifiers: ClinVar variation 7511 (VCV000007511.8), dbSNP rs28939679, ClinGen allele CA118853.

ClinVar aggregate classification (germline): Conflicting classifications of pathogenicity. Review status: criteria provided, conflicting classifications (1 of 4 stars). 5 submissions from 5 submitters: Likely pathogenic (3); Uncertain significance (1). 1 of the submissions does not count toward it. Last evaluated 2025-04-17.

Conditions:
Mitochondrial complex I deficiency, nuclear type 2. Also called: Mitochondrial complex 1 deficiency, nuclear type 2. Identifiers: MedGen C4748737, MONDO:0032606, OMIM 618222.
Leigh syndrome (NULS). Also called: Leigh's syndrome; Necrotizing encephalopathy infantile subacute of Leigh; Leigh's necrotizing encephalopathy; Leigh's disease; Leigh Disease; Subacute necrotizing encephalopathy. Identifiers: Orphanet 506, MedGen C2931891, MONDO:0009723, OMIM 256000.

Allele frequency attached by ClinVar (database versions not stated): ExAC 0.00001; gnomAD exomes 0.00001.
gnomAD v4.1: 11 of 1,612,810 alleles (0.00068%); highest among the groups gnomAD compares: South Asian, 0.0033%; no homozygotes.

Submissions (5):

GeneDx
Classification: Likely pathogenic. Last evaluated: 2025-04-17. Review status: criteria provided, single submitter. Criteria: GeneDx Variant Classification Process June 2021. Collection method: clinical testing. Allele origin: germline. Affected: yes.
Comment: Not observed at significant frequency in large population cohorts (gnomAD); In silico analysis supports that this missense variant has a deleterious effect on protein structure/function; This variant is associated with the following publications: (PMID: 20819849, 9837812, 39382773, 36557887)

Blueprint Genetics
Classification: Uncertain significance. Last evaluated: 2022-02-09. Review status: criteria provided, single submitter. Criteria: ACMG Guidelines, 2015. Collection method: clinical testing. Allele origin: germline.

Fulgent Genetics
Classification: Likely pathogenic for Leigh syndrome. Last evaluated: 2018-10-31. Review status: criteria provided, single submitter. Criteria: ACMG Guidelines, 2015. Collection method: clinical testing. Allele origin: unknown.

Juno Genomics, Hangzhou Juno Genomics, Inc
Classification: Likely pathogenic for Mitochondrial complex I deficiency, nuclear type 2. Review status: criteria provided, single submitter. Criteria: ACMG Guidelines, 2015. Collection method: clinical testing. Allele origin: germline.
Comment: Absent from controls (or at extremely low frequency if recessive) in Genome Aggregation Database.;Multiple lines of computational evidence support a deleterious effect on the gene or gene product.;For recessive disorders, detected in trans with a pathogenic variant.;Patient's phenotype or family history is highly specific for a disease with a single genetic etiology.

OMIM
Classification: Pathogenic for MITOCHONDRIAL COMPLEX I DEFICIENCY, NUCLEAR TYPE 2. Last evaluated: 1998-12-01. Review status: no assertion criteria provided. Collection method: literature only. Allele origin: germline. Not counted in ClinVar's aggregate classification.

Literature cited by the submitters: PubMed 9837812 (cited by OMIM).